The following is an entry in ClinVar:

ClinVar aggregate classification (germline): Pathogenic/Likely pathogenic. Review status: criteria provided, multiple submitters, no conflicts (2 of 4 stars). 9 submissions from 9 submitters: Pathogenic (6); Likely pathogenic (1). 2 of the submissions do not count toward it. Last evaluated 2025-09-10.

Conditions:
Hereditary cancer-predisposing syndrome. Also called: Hereditary Cancer Syndrome; Tumor predisposition; Neoplastic Syndromes, Hereditary; Hereditary neoplastic syndrome. Identifiers: Orphanet 140162, MedGen C0027672, MeSH D009386, MONDO:0015356.
Ovarian cancer. Also called: OVARIAN CANCER, SOMATIC. Identifiers: Orphanet 213500, MedGen C1140680, MONDO:0008170, OMIM 167000.
Hereditary breast ovarian cancer syndrome. Also called: Breast and ovarian cancer; BRCA1- and BRCA2-Associated Hereditary Breast and Ovarian Cancer; Hereditary breast and ovarian cancer; Hereditary breast and ovarian cancer syndrome (HBOC); Hereditary breast and ovarian cancer syndrome; Hereditary breast and/or ovarian cancer syndrome. Identifiers: Orphanet 145, MedGen C0677776, MeSH D061325, MONDO:0003582. Disease mechanism: loss of function.
Breast-ovarian cancer, familial, susceptibility to, 1 (BROVCA1). Also called: BRCA1 Hereditary Breast and Ovarian Cancer; OVARIAN CANCER, SUSCEPTIBILITY TO. Identifiers: Orphanet 145, MedGen C2676676, MONDO:0011450, OMIM 604370. Disease mechanism: loss of function.

Submissions (11):

Ambry Genetics
Classification: Pathogenic for Hereditary cancer-predisposing syndrome. Last evaluated: 2025-09-10. Review status: criteria provided, single submitter. Criteria: Ambry Variant Classification Scheme 2023. Collection method: clinical testing. Allele origin: germline.
Comment: The c.80+1G>A intronic pathogenic mutation results from a G to A substitution one nucleotide after coding exon 1 of the BRCA1 gene. This alteration has been identified in several breast/ovarian cohorts from China, Europe, Africa, and North America (Fackenthal JD et al. Int. J. Cancer, 2012 Sep;131:1114-23; Shi T et al. Int. J. Cancer, 2017 05;140:2051-2059; Rebbeck TR et al. Hum. Mutat., 2018 05;39:593-620). One functional study found that this nucleotide substitution is deleterious in a high throughput genome editing haploid cell survival assay (Findlay GM et al. Nature, 2018 10;562:217-222). RNA studies have demonstrated this variant to result in aberrant splicing (Ambry internal data; Steffensen AY et al. Eur. J. Hum. Genet., 2014 Dec;22:1362-8). Of note, this alteration is also designated IVS2+1G>A in the published literature. In addition to the clinical data presented in the literature, alterations that disrupt the canonical splice site are expected to cause aberrant splicing, resulting in an abnormal protein or a transcript that is subject to nonsense-mediated mRNA decay. Based on the supporting evidence, this variant is interpreted as a disease-causing mutation.

Labcorp Genetics (formerly Invitae), Labcorp
Classification: Pathogenic for Hereditary breast ovarian cancer syndrome. Last evaluated: 2025-03-30. Review status: criteria provided, single submitter. Criteria: Invitae Variant Classification Sherloc (09022015). Collection method: clinical testing. Allele origin: germline.
Comment: This sequence change affects a donor splice site in intron 2 of the BRCA1 gene. RNA analysis indicates that disruption of this splice site induces altered splicing and may result in an absent or altered protein product. This variant is not present in population databases (gnomAD no frequency). Disruption of this splice site has been observed in individual(s) with breast cancer (PMID: 22034289). This variant is also known as IVS2+1G>A. ClinVar contains an entry for this variant (Variation ID: 55710). Studies have shown that disruption of this splice site alters mRNA splicing and is expected to lead to the loss of protein expression (PMID: 24667779; internal data). For these reasons, this variant has been classified as Pathogenic.

Color Diagnostics, LLC DBA Color Health
Classification: Likely pathogenic for Hereditary cancer-predisposing syndrome. Last evaluated: 2020-03-03. Review status: criteria provided, single submitter. Criteria: ACMG Guidelines, 2015. Collection method: clinical testing. Allele origin: germline.
Comment: This variant causes a G to A nucleotide substitution at the +1 position of intron 2 of the BRCA1 gene. Splice site prediction tools suggest that this variant may have a significant impact on RNA splicing. A minigene assay has shown that this variant causes skipping of exon 2, resulting in the loss of the translation start codon of the BRCA1 protein (PMID: 24667779). This variant has been reported in an individual affected with breast cancer (PMID: 22034289). This variant has not been identified in the general population by the Genome Aggregation Database (gnomAD). Loss of BRCA1 function is a known mechanism of disease. Based on the available evidence, this variant is classified as Likely Pathogenic.

Women's Health and Genetics/Laboratory Corporation of America, LabCorp
Classification: Pathogenic for Hereditary breast and ovarian cancer syndrome. Last evaluated: 2019-10-30. Review status: criteria provided, single submitter. Criteria: LabCorp Variant Classification Summary - May 2015. Collection method: clinical testing. Allele origin: germline.
Comment: Variant summary: BRCA1 c.80+1G>A is located in a canonical splice-site and is predicted to affect mRNA splicing resulting in a significantly altered protein due to either exon skipping, shortening, or inclusion of intronic material. Several computational tools predict a significant impact on normal splicing: Five predict the variant abolishes a 5' splicing donor site. At least one publication reported experimental evidence, confirming in a minigene splicing assay that this variant affects mRNA splicing, causing exon 2 skipping (Steffensen_2014). The variant was absent in 251038 control chromosomes (gnomAD). c.80+1G>A has been reported in the literature in multiple individuals affected with Hereditary Breast and Ovarian Cancer (e.g. Fackenthal_2012, Rebbeck_2018 and disease-specific databases). These data indicate that the variant is very likely to be associated with disease. Two ClinVar submitters (evaluation after 2014) cite the variant as pathogenic. Based on the evidence outlined above, the variant was classified as pathogenic.

CeGaT Center for Human Genetics Tuebingen
Classification: Pathogenic. Last evaluated: 2018-09-01. Review status: criteria provided, single submitter. Criteria: CeGaT Center For Human Genetics Tuebingen Variant Classification Criteria Version 2. Collection method: clinical testing. Allele origin: germline. Affected: yes. Observed: 1 variant allele.

3DMed Clinical Laboratory Inc
Classification: Pathogenic for Ovarian cancer. Last evaluated: 2017-10-18. Review status: criteria provided, single submitter. Criteria: ACMG Guidelines, 2015. Collection method: clinical testing. Allele origin: germline. Affected: yes.

Consortium of Investigators of Modifiers of BRCA1/2 (CIMBA), c/o University of Cambridge
Classification: Pathogenic for Breast-ovarian cancer, familial, susceptibility to, 1. Last evaluated: 2015-10-02. Review status: criteria provided, single submitter. Criteria: CIMBA Mutation Classification guidelines May 2016. Collection method: clinical testing. Allele origin: germline.

Research Molecular Genetics Laboratory, Women's College Hospital, University of Toronto
Classification: Pathogenic for Hereditary breast ovarian cancer syndrome. Last evaluated: 2014-01-31. Review status: no assertion criteria provided. Collection method: research. Allele origin: germline. Affected: yes. Study: The Canadian Open Genetics Repository (COGR). Not counted in ClinVar's aggregate classification.

Breast Cancer Information Core (BIC) (BRCA1)
Classification: Pathogenic for Breast-ovarian cancer, familial 1. Last evaluated: 2004-02-20. Review status: no assertion criteria provided. Collection method: clinical testing. Allele origin: germline. Affected: yes. Observed: 2 variant alleles. Not counted in ClinVar's aggregate classification.

Brotman Baty Institute, University of Washington
No classification provided (evidence only). Condition: Breast-ovarian cancer, familial 1. Review status: no classification provided. Collection method: in vitro. Allele origin: not applicable. Functional consequence: functionally_abnormal. Not counted in ClinVar's aggregate classification.
ClinVar note: "not provided" was previously submitted as the classification for the variant. However, the classification appeared to be based only on an observation of functional data so it was converted to no classification on 2025-07-30.

Dr. Peter K. Rogan Lab, Western University
No classification provided (evidence only). Condition: Familial cancer of breast. Review status: no classification provided. Collection method: in vitro. Allele origin: not applicable. Functional consequence: skipped exon, retained intron. Not counted in ClinVar's aggregate classification.

Literature cited by the submitters: PubMed 22034289 (cited by 3 submitters); PubMed 24667779 (cited by 3 submitters); PubMed 28176296 (cited by Ambry Genetics); PubMed 29446198 (cited by Ambry Genetics and Women's Health and Genetics/Laboratory Corporation of America, LabCorp); PubMed 30209399 (cited by Ambry Genetics); PubMed 30702160 (cited by Ambry Genetics); PubMed 16267036 (cited by Women's Health and Genetics/Laboratory Corporation of America, LabCorp); PubMed 15145354 (cited by 3DMed Clinical Laboratory Inc).

NM_007294.4(BRCA1):c.80+1G>A

Gene: BRCA1 (BRCA1 DNA repair associated; minus strand). Cytogenetic location: 17q21.31.
Variant type: single nucleotide variant.
Coding change: c.80+1G>A on transcript NM_007294.4 (MANE Select); the canonical splice donor site of the intron after coding-DNA position 80, G replaced by A.
Molecular consequence: splice donor variant. On other transcripts: intron variant (36).
Genome position (GRCh38, 1-based): chr17:43,124,016, C>T on the plus strand (G>A on the coding strand, the complement: BRCA1 is on the minus strand). VCF-style: chr17-43124016-C-T. GRCh37 (hg19) VCF-style: chr17-41276033-C-T.
Other names: IVS2+1G>A; c.80+1G>A (NM_001407680.1, NM_001407664.1, NM_001407648.1 and 192 more transcripts); c.-340+1G>A (NM_001407965.1); c.-178+1G>A (NM_001407930.1, NM_001407843.1, NM_001408456.1 and 11 more transcripts); c.-182+1G>A (NM_001408465.1, NM_001407695.1); c.-254+1G>A (NM_001408482.1); c.-207+1G>A (NM_001407920.1, NM_001407697.1, NM_001407846.1); c.-61-8237G>A (NM_001408458.1); and 24 more.
Identifiers: ClinVar variation 55710 (VCV000055710.61), dbSNP rs80358010, ClinGen allele CA003884.
Genomic context (GRCh38, chr17:43,124,016, plus strand): 5'-TTCATTTGCATAGGAGATAATCATAGGAATCCCAAATTAATACACTCTTGTGCTGACTTA[C>T]CAGATGGGACACTCTAAGATTTTCTGCATAGCATTAATGACATTTTGTACTTCTTCAACG-3'